The following is an entry in ClinVar:

NM_000465.4(BARD1):c.708G>C (p.Lys236Asn)

Gene: BARD1 (BRCA1 associated RING domain 1; minus strand). Cytogenetic location: 2q35.
Variant type: single nucleotide variant.
Coding change: c.708G>C on transcript NM_000465.4 (MANE Select); coding-DNA position 708, G replaced by C.
Protein change: p.Lys236Asn; replaces lysine 236 with asparagine.
Molecular consequence: missense variant. On other transcripts: non-coding transcript variant (2), intron variant (3).
Genome position (GRCh38, 1-based): chr2:214,781,166, C>G on the plus strand (G>C on the coding strand, the complement: BARD1 is on the minus strand). VCF-style: chr2-214781166-C-G. GRCh37 (hg19) VCF-style: chr2-215645890-C-G.
Other names: c.651G>C, p.Lys217Asn (NM_001282543.2); c.158+28246G>C (NM_001282548.2); c.215+15895G>C (NM_001282545.2); c.364+11131G>C (NM_001282549.2); short protein forms K236N, K217N.
Identifiers: ClinVar variation 3479724 (VCV003479724.1).

ClinVar aggregate classification (germline): Uncertain significance (1 of 4 stars; one submission).

Conditions:
Hereditary cancer-predisposing syndrome. Also called: Tumor predisposition; Neoplastic Syndromes, Hereditary; Hereditary neoplastic syndrome; Hereditary Cancer Syndrome. Identifiers: Orphanet 140162, MedGen C0027672, MeSH D009386, MONDO:0015356.

Submission:

Ambry Genetics
Classification: Uncertain significance for Hereditary cancer-predisposing syndrome. Last evaluated: 2024-09-21. Review status: criteria provided, single submitter. Criteria: Ambry Variant Classification Scheme 2023. Collection method: clinical testing. Allele origin: germline.
Comment: The p.K236N variant (also known as c.708G>C), located in coding exon 4 of the BARD1 gene, results from a G to C substitution at nucleotide position 708. The lysine at codon 236 is replaced by asparagine, an amino acid with similar properties. This amino acid position is conserved. In addition, this alteration is predicted to be tolerated by in silico analysis. Based on the available evidence, the clinical significance of this variant remains unclear.